The following is an entry in ClinVar:

ClinVar aggregate classification (germline): Likely benign (1 of 4 stars; one submission).

Allele frequency attached by ClinVar (database versions not stated): gnomAD 0.00001; gnomAD exomes 0.00003.
gnomAD v4.1: 6 of 1,172,296 alleles (0.00051%); highest among the groups gnomAD compares: East Asian, 0.023%; no homozygotes.

Submission:

GeneDx
Classification: Likely benign. Last evaluated: 2016-12-22. Review status: criteria provided, single submitter. Criteria: GeneDx Variant Classification (06012015). Collection method: clinical testing. Allele origin: germline. Affected: yes.
Comment: This variant is considered likely benign or benign based on one or more of the following criteria: it is a conservative change, it occurs at a poorly conserved position in the protein, it is predicted to be benign by multiple in silico algorithms, and/or has population frequency not consistent with disease.

NM_005670.3(EPM2A):c.-27C>T

Genes: EPM2A (EPM2A glucan phosphatase, laforin; minus strand), EPM2A-DT (EPM2A divergent transcript; plus strand), LOC129997381 (ATAC-STARR-seq lymphoblastoid silent region 17642; plus strand). Cytogenetic location: 6q24.3.
Variant type: single nucleotide variant.
Coding change: c.-27C>T on transcript NM_005670.3; 27 bases upstream of the start codon, C replaced by T.
Molecular consequence: intron variant (on NM_001360064.2).
Genome position (GRCh38, 1-based): chr6:145,735,525, G>A on the plus strand (C>T on the coding strand, the complement: EPM2A is on the minus strand). VCF-style: chr6-145735525-G-A. GRCh37 (hg19) VCF-style: chr6-146056661-G-A.
Other names: c.-114+383C>T (NM_001360064.2).
Identifiers: ClinVar variation 392021 (VCV000392021.3), dbSNP rs1057524326, ClinGen allele CA16605478.